The following is an entry in ClinVar:

ClinVar aggregate classification (germline): Uncertain significance (1 of 4 stars; one submission).

Conditions:
Hereditary breast ovarian cancer syndrome. Also called: Hereditary breast and ovarian cancer syndrome (HBOC); Hereditary breast and ovarian cancer; Hereditary breast and/or ovarian cancer syndrome; Hereditary breast and ovarian cancer syndrome; Breast and ovarian cancer; BRCA1- and BRCA2-Associated Hereditary Breast and Ovarian Cancer. Identifiers: Orphanet 145, MedGen C0677776, MeSH D061325, MONDO:0003582. Disease mechanism: loss of function.

Submission:

Labcorp Genetics (formerly Invitae), Labcorp
Classification: Uncertain significance for Hereditary breast ovarian cancer syndrome. Last evaluated: 2019-01-10. Review status: criteria provided, single submitter. Criteria: Invitae Variant Classification Sherloc (09022015). Collection method: clinical testing. Allele origin: germline.
Comment: In summary, the available evidence is currently insufficient to determine the role of this variant in disease. Therefore, it has been classified as a Variant of Uncertain Significance. Experimental studies and prediction algorithms are not available for this variant, and the functional significance of the affected amino acid(s) is currently unknown. This variant has not been reported in the literature in individuals with BRCA2-related conditions. This variant is not present in population databases (ExAC no frequency). This variant, c.8250_8261del, is a complex sequence change that results in the deletion of 5 amino acids and insertion of 1 new amino acid of the BRCA2 protein (p.Lys2750_His2754delinsAsn).

NM_000059.4(BRCA2):c.8250_8261del (p.Lys2750_His2754delinsAsn)

Gene: BRCA2 (BRCA2 DNA repair associated; plus strand). Cytogenetic location: 13q13.1.
Variant type: Deletion.
Coding change: c.8250_8261del on transcript NM_000059.4 (MANE Select); coding-DNA positions 8250 to 8261, 12 bases deleted (GATTATTCTTCA).
Protein change: p.Lys2750_His2754delinsAsn.
Molecular consequence: inframe indel.
Genome position (GRCh38, 1-based): chr13:32,363,452-32,363,463, GATTATTCTTCA deleted; deleting any 12 consecutive bases within chr13:32,363,451-32,363,463 gives the same sequence; the c. name uses the placement nearest the transcript's 3' end. VCF-style (leftmost placement, unchanged base first): chr13-32363450-AAGATTATTCTTC-A. GRCh37 (hg19) VCF-style: chr13-32937587-AAGATTATTCTTC-A.
Identifiers: ClinVar variation 840260 (VCV000840260.10), dbSNP rs2072759934, ClinGen allele CA916080536.